The following is an entry in ClinVar:

NM_018192.4(P3H2):c.1390C>T (p.Arg464Trp)

Gene: P3H2 (prolyl 3-hydroxylase 2; minus strand). Cytogenetic location: 3q28.
Variant type: single nucleotide variant.
Coding change: c.1390C>T on transcript NM_018192.4 (MANE Select); coding-DNA position 1390, C replaced by T.
Protein change: p.Arg464Trp; replaces arginine 464 with tryptophan.
Molecular consequence: missense variant.
Genome position (GRCh38, 1-based): chr3:189,974,620, G>A on the plus strand (C>T on the coding strand, the complement: P3H2 is on the minus strand). VCF-style: chr3-189974620-G-A. GRCh37 (hg19) VCF-style: chr3-189692409-G-A.
Other names: c.847C>T, p.Arg283Trp (NM_001134418.2); short protein forms R464W, R283W.
Identifiers: ClinVar variation 969735 (VCV000969735.4), dbSNP rs750783069, ClinGen allele CA2752951.

ClinVar aggregate classification (germline): Uncertain significance (1 of 4 stars; one submission).

Allele frequency attached by ClinVar (database versions not stated): gnomAD 0.00001.
gnomAD v4.1: 7 of 1,614,016 alleles (0.00043%); highest among the groups gnomAD compares: Non-Finnish European, 0.00034%; no homozygotes.

Submission:

Labcorp Genetics (formerly Invitae), Labcorp
Classification: Uncertain significance. Last evaluated: 2021-08-27. Review status: criteria provided, single submitter. Criteria: Invitae Variant Classification Sherloc (09022015). Collection method: clinical testing. Allele origin: germline.
Comment: This sequence change replaces arginine with tryptophan at codon 464 of the P3H2 protein (p.Arg464Trp). The arginine residue is highly conserved and there is a moderate physicochemical difference between arginine and tryptophan. The frequency data for this variant in the population databases is considered unreliable, as metrics indicate poor data quality at this position in the ExAC database. This variant has not been reported in the literature in individuals affected with P3H2-related conditions. Algorithms developed to predict the effect of missense changes on protein structure and function are either unavailable or do not agree on the potential impact of this missense change (SIFT: "Deleterious"; PolyPhen-2: "Probably Damaging"; Align-GVGD: "Class C0"). Algorithms developed to predict the effect of sequence changes on RNA splicing suggest that this variant may create or strengthen a splice site. In summary, the available evidence is currently insufficient to determine the role of this variant in disease. Therefore, it has been classified as a Variant of Uncertain Significance.